The following is an entry in ClinVar:

NM_001005242.3(PKP2):c.2242A>G (p.Thr748Ala)

Gene: PKP2 (plakophilin 2; minus strand). Cytogenetic location: 12p11.21.
Variant type: single nucleotide variant.
Coding change: c.2242A>G on transcript NM_001005242.3 (MANE Select); coding-DNA position 2242, A replaced by G.
Protein change: p.Thr748Ala; replaces threonine 748 with alanine.
Molecular consequence: missense variant. On other transcripts: intron variant (2).
Genome position (GRCh38, 1-based): chr12:32,796,224, T>C on the plus strand (A>G on the coding strand, the complement: PKP2 is on the minus strand). VCF-style: chr12-32796224-T-C. GRCh37 (hg19) VCF-style: chr12-32949158-T-C.
Other names: c.2077A>G, p.Thr693Ala (NM_001407156.1); c.1915A>G, p.Thr639Ala (NM_001407158.1, NM_001407159.1); c.2374A>G, p.Thr792Ala (NM_004572.4); c.2168-3493A>G (NM_001407155.1); c.1841-3493A>G (NM_001407160.1); short protein forms T639A, T792A, T693A, T748A.
Identifiers: ClinVar variation 3723604 (VCV003723604.2).
Genomic context (GRCh38, chr12:32,796,224, plus strand): 5'-CGCGTGCATTCTGGTAACTGTTTTGGATTATGTTGTTCAATGTGTAACAGGCAGAGGCTG[T>C]AGTTTCAATGAGAAGGTCAGTACTCGGGACTGTGTCAGGAATGATGGAAACCAAATCAGG-3'
Protein context (NP_001005242.2, residues 738-758): VPSTDLLIET[Thr748Ala]ASACYTLNNI

ClinVar aggregate classification (germline): Uncertain significance (1 of 4 stars; one submission).

Conditions:
Arrhythmogenic right ventricular dysplasia 9 (ARVD9). Also called: Arrhythmogenic Right Ventricular Dysplasia/Cardiomyopathy 9; ARRHYTHMOGENIC RIGHT VENTRICULAR DYSPLASIA, FAMILIAL, 9. Identifiers: MedGen C1836906, MONDO:0012180, OMIM 609040.

Submission:

Labcorp Genetics (formerly Invitae), Labcorp
Classification: Uncertain significance for Arrhythmogenic right ventricular dysplasia 9. Last evaluated: 2024-10-24. Review status: criteria provided, single submitter. Criteria: Invitae Variant Classification Sherloc (09022015). Collection method: clinical testing. Allele origin: germline.
Comment: This sequence change replaces threonine, which is neutral and polar, with alanine, which is neutral and non-polar, at codon 792 of the PKP2 protein (p.Thr792Ala). This variant is not present in population databases (gnomAD no frequency). This variant has not been reported in the literature in individuals affected with PKP2-related conditions. An algorithm developed to predict the effect of missense changes on protein structure and function (PolyPhen-2) suggests that this variant is likely to be tolerated. In summary, the available evidence is currently insufficient to determine the role of this variant in disease. Therefore, it has been classified as a Variant of Uncertain Significance.